The following is an entry in ClinVar:

ClinVar aggregate classification (germline): Likely benign (1 of 4 stars; one submission).

Conditions:
EPHX1-related disorder. Also called: EPHX1-related condition.

gnomAD v4.1: 39 of 1,613,992 alleles (0.0024%); highest among the groups gnomAD compares: South Asian, 0.015%; 1 homozygote.

Submission:

PreventionGenetics, part of Exact Sciences
Classification: Likely benign for EPHX1-related condition. Last evaluated: 2026-05-22. Review status: criteria provided, single submitter. Criteria: ACMG Guidelines, 2015. Collection method: clinical testing. Allele origin: germline.
Comment: This variant is classified as likely benign based on ACMG/AMP sequence variant interpretation guidelines (Richards et al. 2015 PMID: 25741868, with internal and published modifications).

NM_001136018.4(EPHX1):c.1041-9C>T

Genes: EPHX1 (epoxide hydrolase 1; plus strand), TMEM63A (transmembrane protein 63A; minus strand). Cytogenetic location: 1q42.12.
Variant type: single nucleotide variant.
Coding change: c.1041-9C>T on transcript NM_001136018.4 (MANE Select); 9 bases into the intron before coding-DNA position 1041, C replaced by T.
Molecular consequence: intron variant.
Genome position (GRCh38, 1-based): chr1:225,844,489, C>T. VCF-style: chr1-225844489-C-T. GRCh37 (hg19) VCF-style: chr1-226032190-C-T.
Other names: c.1041-9C>T (NM_001291163.2, NM_001378426.1, NM_001378427.1 and 1 more transcripts); c.993-9C>T (NM_001378429.1, NM_001378430.1); c.813-9C>T (NM_001378431.1); c.474-9C>T (NM_001378432.1); c.1014-9C>T (NM_001378428.1).
Identifiers: ClinVar variation 4990171 (VCV004990171.1).